The following is an entry in ClinVar:

ClinVar aggregate classification (germline): Uncertain significance. Review status: criteria provided, multiple submitters, no conflicts (2 of 4 stars). 2 submissions from 2 submitters: Uncertain significance (2). Last evaluated 2025-03-25.

Conditions:
CEP164-related disorder. Also called: CEP164-related condition.
Nephronophthisis 15 (NPHP15). Identifiers: Orphanet 3156, MedGen C3541853, MONDO:0013917, OMIM 614845.

Submissions (2):

Labcorp Genetics (formerly Invitae), Labcorp
Classification: Uncertain significance for Nephronophthisis 15. Last evaluated: 2025-03-25. Review status: criteria provided, single submitter. Criteria: Invitae Variant Classification Sherloc (09022015). Collection method: clinical testing. Allele origin: germline.
Comment: This sequence change replaces isoleucine, which is neutral and non-polar, with valine, which is neutral and non-polar, at codon 1271 of the CEP164 protein (p.Ile1271Val). This variant is not present in population databases (gnomAD no frequency). This variant has not been reported in the literature in individuals affected with CEP164-related conditions. Invitae Evidence Modeling of protein sequence and biophysical properties (such as structural, functional, and spatial information, amino acid conservation, physicochemical variation, residue mobility, and thermodynamic stability) indicates that this missense variant is not expected to disrupt CEP164 protein function with a negative predictive value of 80%. In summary, the available evidence is currently insufficient to determine the role of this variant in disease. Therefore, it has been classified as a Variant of Uncertain Significance.

PreventionGenetics, part of Exact Sciences
Classification: Uncertain significance for CEP164-related condition. Last evaluated: 2024-12-10. Review status: criteria provided, single submitter. Criteria: ACMG Guidelines, 2015. Collection method: clinical testing. Allele origin: germline.
Comment: The CEP164 c.3811A>G variant is predicted to result in the amino acid substitution p.Ile1271Val. To our knowledge, this variant has not been reported in the literature or in a large population database (gnomAD), indicating this variant is rare. At this time, the clinical significance of this variant is uncertain due to the absence of conclusive functional and genetic evidence.

NM_014956.5(CEP164):c.3811A>G (p.Ile1271Val)

Gene: CEP164 (centrosomal protein 164; plus strand). Cytogenetic location: 11q23.3.
Variant type: single nucleotide variant.
Coding change: c.3811A>G on transcript NM_014956.5 (MANE Select); coding-DNA position 3811, A replaced by G.
Protein change: p.Ile1271Val; replaces isoleucine 1271 with valine.
Molecular consequence: missense variant.
Genome position (GRCh38, 1-based): chr11:117,409,680, A>G. VCF-style: chr11-117409680-A-G. GRCh37 (hg19) VCF-style: chr11-117280396-A-G.
Other names: c.3796A>G, p.Ile1266Val (NM_001271933.2); c.3817A>G, p.Ile1273Val (NM_001440949.1); c.3811A>G, p.Ile1271Val (NM_001440950.1, NM_001440951.1); c.3802A>G, p.Ile1268Val (NM_001440952.1); c.3787A>G, p.Ile1263Val (NM_001440953.1); c.3733A>G, p.Ile1245Val (NM_001440954.1, NM_001440955.1); c.3724A>G, p.Ile1242Val (NM_001440956.1); c.3721A>G, p.Ile1241Val (NM_001440957.1); and 22 more; short protein forms I1152V, I1167V, I1187V, I1195V, I1210V, I1215V, I1216V, I1221V.
Identifiers: ClinVar variation 4751909 (VCV004751909.2).
Genomic context (GRCh38, chr11:117,409,680, plus strand): 5'-GACTCAACCCCGAGTCTCACCTCCCGCAAGATCCACGGGCTTAGCCACTCCCTCCGGCAG[A>G]TCAGCAGCCAGCTGAGCAGTGTCCTCAGCATCCTGGACAGCCTCAACCCTCAGTCGCCGC-3'
Protein context (NP_055771.4, residues 1261-1281): IHGLSHSLRQ[Ile1271Val]SSQLSSVLSI